The following is an entry in ClinVar:

ClinVar aggregate classification (germline): Uncertain significance. Review status: criteria provided, multiple submitters, no conflicts (2 of 4 stars). 6 submissions from 6 submitters: Uncertain significance (5). 1 of the submissions does not count toward it. Last evaluated 2025-03-17.

Conditions:
PCDH15-related disorder. Also called: PCDH15-related condition; PCDH15-related disorders.
Usher syndrome type 1F (USH1F). Also called: USHER SYNDROME, TYPE IF. Identifiers: Orphanet 231169, Orphanet 886, MedGen C1865885, MONDO:0011186, OMIM 602083.

Allele frequency attached by ClinVar (database versions not stated): gnomAD exomes 0.00001; ExAC 0.00002; gnomAD 0.00003; TOPMed 0.00003.
gnomAD v4.1: 40 of 1,611,836 alleles (0.0025%); highest among the groups gnomAD compares: Non-Finnish European, 0.0032%; no homozygotes.

Submissions (6):

PreventionGenetics, part of Exact Sciences
Classification: Uncertain significance for PCDH15-related condition. Last evaluated: 2025-03-17. Review status: criteria provided, single submitter. Criteria: ACMG Guidelines, 2015. Collection method: clinical testing. Allele origin: germline.
Comment: The PCDH15 c.128T>C variant is predicted to result in the amino acid substitution p.Ile43Thr. To our knowledge, this variant has not been reported in the literature. This variant is reported in 0.0026% of alleles in individuals of European (Non-Finnish) descent in gnomAD. At this time, the clinical significance of this variant is uncertain due to the absence of conclusive functional and genetic evidence.

Mayo Clinic Laboratories, Mayo Clinic
Classification: Uncertain significance. Last evaluated: 2024-07-24. Review status: criteria provided, single submitter. Criteria: ACMG Guidelines, 2015. Collection method: clinical testing. Allele origin: germline. Observed: 1 variant allele.
Comment: PM2

Labcorp Genetics (formerly Invitae), Labcorp
Classification: Uncertain significance. Last evaluated: 2021-12-29. Review status: criteria provided, single submitter. Criteria: Invitae Variant Classification Sherloc (09022015). Collection method: clinical testing. Allele origin: germline.
Comment: This sequence change replaces isoleucine, which is neutral and non-polar, with threonine, which is neutral and polar, at codon 43 of the PCDH15 protein (p.Ile43Thr). This variant is present in population databases (rs766772151, gnomAD 0.003%). This variant has not been reported in the literature in individuals affected with PCDH15-related conditions. ClinVar contains an entry for this variant (Variation ID: 229132). Algorithms developed to predict the effect of missense changes on protein structure and function are either unavailable or do not agree on the potential impact of this missense change (SIFT: "Tolerated"; PolyPhen-2: "Possibly Damaging"; Align-GVGD: "Class C0"). In summary, the available evidence is currently insufficient to determine the role of this variant in disease. Therefore, it has been classified as a Variant of Uncertain Significance.

Blueprint Genetics
Classification: Uncertain significance. Last evaluated: 2019-08-23. Review status: criteria provided, single submitter. Criteria: ACMG Guidelines, 2015. Collection method: clinical testing. Allele origin: germline.

Laboratory for Molecular Medicine, Mass General Brigham Personalized Medicine
Classification: Uncertain significance. Last evaluated: 2015-07-26. Review status: criteria provided, single submitter. Criteria: LMM Criteria. Collection method: clinical testing. Allele origin: germline. Observed: 2 variant alleles.
Comment: The p.Ile43Thr variant in PCDH15 has not been previously reported in individuals with hearing loss, but has been identified in 2/66624 European chromosomes by t he Exome Aggregation Consortium (ExAC; dbSNP rs7 66772151). Computational prediction tools and conservation analysis do not provi de strong support for or against an impact to the protein. In summary, the clini cal significance of the p.Ile43Thr variant is uncertain.

Natera, Inc.
Classification: Uncertain significance for Usher syndrome type 1F. Last evaluated: 2019-11-11. Review status: no assertion criteria provided. Collection method: clinical testing. Allele origin: germline. Not counted in ClinVar's aggregate classification.

NM_001384140.1(PCDH15):c.128T>C (p.Ile43Thr)

Genes: PCDH15 (protocadherin related 15; minus strand), LOC105378311 (uncharacterized LOC105378311; plus strand). Cytogenetic location: 10q21.1.
Variant type: single nucleotide variant.
Coding change: c.128T>C on transcript NM_001384140.1 (MANE Select); coding-DNA position 128, T replaced by C.
Protein change: p.Ile43Thr; replaces isoleucine 43 with threonine.
Molecular consequence: missense variant. On other transcripts: intron variant (3).
Genome position (GRCh38, 1-based): chr10:54,527,841, A>G on the plus strand (T>C on the coding strand, the complement: PCDH15 is on the minus strand). VCF-style: chr10-54527841-A-G. GRCh37 (hg19) VCF-style: chr10-56287601-A-G.
Other names: c.143T>C, p.Ile48Thr (NM_001142763.2, NM_001142769.4, NM_001142771.2); c.128T>C, p.Ile43Thr (NM_001142764.2, NM_001142765.2, NM_001142766.2 and 8 more transcripts); c.91+136331T>C (NM_001354404.2, NM_001142773.2, NM_001142768.2); short protein forms I43T, I48T.
Identifiers: ClinVar variation 229132 (VCV000229132.11), dbSNP rs766772151, ClinGen allele CA5506793.